The following is an entry in ClinVar:

NM_004224.3(GPR50):c.178C>T (p.Arg60Trp)

Genes: GPR50 (G protein-coupled receptor 50; plus strand), GPR50-AS1 (GPR50 antisense RNA 1; minus strand). Cytogenetic location: Xq28.
Variant type: single nucleotide variant.
Coding change: c.178C>T on transcript NM_004224.3 (MANE Select); coding-DNA position 178, C replaced by T.
Protein change: p.Arg60Trp; replaces arginine 60 with tryptophan.
Molecular consequence: missense variant.
Genome position (GRCh38, 1-based): chrX:151,176,899, C>T. VCF-style: chrX-151176899-C-T. GRCh37 (hg19) VCF-style: chrX-150345371-C-T.
Other names: short protein forms R60W.
Identifiers: ClinVar variation 1206241 (VCV001206241.27), dbSNP rs372854533, ClinGen allele CA10540203.

ClinVar aggregate classification (germline): Likely benign. Review status: criteria provided, multiple submitters, no conflicts (2 of 4 stars). 4 submissions from 4 submitters: Likely benign (2). 2 of the submissions do not count toward it. Last evaluated 2023-02-01.

Allele frequency attached by ClinVar (database versions not stated): TOPMed 0.00014; gnomAD 0.00018 and 0.00019; ESP Exome Variant Server 0.00021; gnomAD exomes 0.00030 and 0.00043; ExAC 0.00032.

Submissions (4):

CeGaT Center for Human Genetics Tuebingen
Classification: Likely benign. Last evaluated: 2023-02-01. Review status: criteria provided, single submitter. Criteria: CeGaT Center For Human Genetics Tuebingen Variant Classification Criteria Version 2. Collection method: clinical testing. Allele origin: germline. Affected: yes. Observed: 1 variant allele.
Comment: GPR50: BS2

Breakthrough Genomics
Classification: Likely benign. Review status: criteria provided, single submitter. Criteria: ACMG Guidelines, 2015. Collection method: not provided. Allele origin: germline. Inheritance: Unknown mechanism. Affected: yes.

Clinical Genetics DNA and cytogenetics Diagnostics Lab, Erasmus MC, Erasmus Medical Center
Classification: Likely benign. Review status: no assertion criteria provided. Collection method: clinical testing. Allele origin: germline. Affected: yes. Study: VKGL Data-share Consensus. Not counted in ClinVar's aggregate classification.

Laboratory of Diagnostic Genome Analysis, Leiden University Medical Center (LUMC)
Classification: Likely benign. Review status: no assertion criteria provided. Collection method: clinical testing. Allele origin: germline. Affected: yes. Study: VKGL Data-share Consensus. Not counted in ClinVar's aggregate classification.